The following is an entry in ClinVar:

ClinVar aggregate classification (germline): Uncertain significance (1 of 4 stars; one submission).

Allele frequency attached by ClinVar (database versions not stated): TOPMed below 0.00001; gnomAD 0.00001.

Submission:

Labcorp Genetics (formerly Invitae), Labcorp
Classification: Uncertain significance. Last evaluated: 2022-06-15. Review status: criteria provided, single submitter. Criteria: Invitae Variant Classification Sherloc (09022015). Collection method: clinical testing. Allele origin: germline.
Comment: In summary, the available evidence is currently insufficient to determine the role of this variant in disease. Therefore, it has been classified as a Variant of Uncertain Significance. Algorithms developed to predict the effect of missense changes on protein structure and function are either unavailable or do not agree on the potential impact of this missense change (SIFT: "Tolerated"; PolyPhen-2: "Probably Damaging"; Align-GVGD: "Class C0"). This variant has not been reported in the literature in individuals affected with LAMC3-related conditions. This variant is not present in population databases (gnomAD no frequency). This sequence change replaces proline, which is neutral and non-polar, with serine, which is neutral and polar, at codon 57 of the LAMC3 protein (p.Pro57Ser).

NM_006059.4(LAMC3):c.169C>T (p.Pro57Ser)

Gene: LAMC3 (laminin subunit gamma 3; plus strand). Cytogenetic location: 9q34.12.
Variant type: single nucleotide variant.
Coding change: c.169C>T on transcript NM_006059.4 (MANE Select); coding-DNA position 169, C replaced by T.
Protein change: p.Pro57Ser; replaces proline 57 with serine.
Molecular consequence: missense variant.
Genome position (GRCh38, 1-based): chr9:131,009,383, C>T. VCF-style: chr9-131009383-C-T. GRCh37 (hg19) VCF-style: chr9-133884770-C-T.
Other names: short protein forms P57S.
Identifiers: ClinVar variation 1509435 (VCV001509435.8), dbSNP rs1363370959, ClinGen allele CA375250524.